The following is an entry in ClinVar:

ClinVar aggregate classification (germline): Uncertain significance (1 of 4 stars; one submission).

gnomAD v4.1: 1 of 1,614,116 alleles (0.000062%); highest among the groups gnomAD compares: Middle Eastern, 0.017%; no homozygotes.

Submission:

Mayo Clinic Laboratories, Mayo Clinic
Classification: Uncertain significance. Last evaluated: 2025-09-13. Review status: criteria provided, single submitter. Criteria: ACMG Guidelines, 2015. Collection method: clinical testing. Allele origin: germline. Observed: 1 variant allele.
Comment: BP4_moderate, PM2_supporting

NM_145038.5(DRC1):c.2216C>A (p.Thr739Lys)

Gene: DRC1 (dynein regulatory complex subunit 1; plus strand). Cytogenetic location: 2p23.3.
Variant type: single nucleotide variant.
Coding change: c.2216C>A on transcript NM_145038.5 (MANE Select); coding-DNA position 2216, C replaced by A.
Protein change: p.Thr739Lys; replaces threonine 739 with lysine.
Molecular consequence: missense variant.
Genome position (GRCh38, 1-based): chr2:26,456,510, C>A. VCF-style: chr2-26456510-C-A. GRCh37 (hg19) VCF-style: chr2-26679378-C-A.
Other names: p.Thr739Lys; short protein forms T739K.
Identifiers: ClinVar variation 4542546 (VCV004542546.1).